The following is an entry in ClinVar:

NM_001080421.3(UNC13A):c.2067G>A (p.Gln689=)

Gene: UNC13A (unc-13 homolog A; minus strand). Cytogenetic location: 19p13.11.
Variant type: single nucleotide variant.
Coding change: c.2067G>A on transcript NM_001080421.3 (MANE Select); coding-DNA position 2067, G replaced by A.
Protein change: p.Gln689=; no amino-acid change (glutamine 689 retained).
Molecular consequence: synonymous variant.
Genome position (GRCh38, 1-based): chr19:17,646,089, C>T on the plus strand (G>A on the coding strand, the complement: UNC13A is on the minus strand). VCF-style: chr19-17646089-C-T. GRCh37 (hg19) VCF-style: chr19-17756898-C-T.
Other names: p.Gln689=; c.2061G>A, p.Gln687= (NM_001387021.1, NM_001387022.1, NM_001387023.1).
Identifiers: ClinVar variation 788919 (VCV000788919.6), dbSNP rs374672664, ClinGen allele CA9298330.

ClinVar aggregate classification (germline): Likely benign. Review status: criteria provided, multiple submitters, no conflicts (2 of 4 stars). 3 submissions from 3 submitters: Likely benign (3). Last evaluated 2024-12-26.

Allele frequency attached by ClinVar (database versions not stated): TOPMed 0.00060; gnomAD 0.00062 and 0.00061; ExAC 0.00075; gnomAD exomes 0.00074 and 0.00075; ESP Exome Variant Server 0.00079.
gnomAD v4.1: 1,193 of 1,613,892 alleles (0.074%); highest among the groups gnomAD compares: Middle Eastern, 0.4%; 2 homozygotes.

Submissions (3):

Mayo Clinic Laboratories, Mayo Clinic
Classification: Likely benign. Last evaluated: 2024-12-26. Review status: criteria provided, single submitter. Criteria: ACMG Guidelines, 2015. Collection method: clinical testing. Allele origin: germline. Observed: 5 variant alleles.
Comment: BP4, BP7

Labcorp Genetics (formerly Invitae), Labcorp
Classification: Likely benign. Last evaluated: 2019-12-31. Review status: criteria provided, single submitter. Criteria: Invitae Variant Classification Sherloc (09022015). Collection method: clinical testing. Allele origin: germline.

Breakthrough Genomics
Classification: Likely benign. Review status: criteria provided, single submitter. Criteria: ACMG Guidelines, 2015. Collection method: not provided. Allele origin: germline. Inheritance: Unknown mechanism. Affected: yes.